The following is an entry in ClinVar:

NM_003072.5(SMARCA4):c.2428G>A (p.Val810Met)

Gene: SMARCA4 (SWI/SNF related BAF chromatin remodeling complex subunit ATPase 4; plus strand). Cytogenetic location: 19p13.2.
Variant type: single nucleotide variant.
Coding change: c.2428G>A on transcript NM_003072.5 (MANE Select); coding-DNA position 2428, G replaced by A.
Protein change: p.Val810Met; replaces valine 810 with methionine.
Molecular consequence: missense variant. On other transcripts: non-coding transcript variant (1).
Genome position (GRCh38, 1-based): chr19:11,013,102, G>A. VCF-style: chr19-11013102-G-A. GRCh37 (hg19) VCF-style: chr19-11123778-G-A.
Other names: c.2428G>A, p.Val810Met (NM_001128844.3, NM_001128845.2, NM_001128846.2 and 5 more transcripts); short protein forms V810M.
Identifiers: ClinVar variation 408596 (VCV000408596.16), dbSNP rs1060502056, ClinGen allele CA16615966.
Genomic context (GRCh38, chr19:11,013,102, plus strand): 5'-ATCGCGCTCATCACGTACCTCATGGAGCACAAACGCATCAATGGGCCCTTCCTCATCATC[G>A]TGCCTCTCTCGTGAGTACCCGCTGCCAGCAACATCCCACACGCCGCTCACACGCTCCTGT-3'
Protein context (NP_003063.2, residues 800-820): KRINGPFLII[Val810Met]PLSTLSNWAY

ClinVar aggregate classification (germline): Uncertain significance. Review status: criteria provided, multiple submitters, no conflicts (2 of 4 stars). 2 submissions from 2 submitters: Uncertain significance (2). Last evaluated 2025-10-03.

Conditions:
Hereditary cancer-predisposing syndrome. Also called: Hereditary Cancer Syndrome; Hereditary neoplastic syndrome; Neoplastic Syndromes, Hereditary; Tumor predisposition. Identifiers: Orphanet 140162, MedGen C0027672, MeSH D009386, MONDO:0015356.
Rhabdoid tumor predisposition syndrome 2 (RTPS2). Identifiers: Orphanet 231108, Orphanet 69077, MedGen C2750074, MONDO:0013224, OMIM 613325.

Allele frequency attached by ClinVar (database versions not stated): gnomAD exomes below 0.00001; TOPMed below 0.00001; gnomAD 0.00001.
gnomAD v4.1: 4 of 1,613,894 alleles (0.00025%); highest among the groups gnomAD compares: Non-Finnish European, 0.00034%; no homozygotes.

Submissions (2):

Ambry Genetics
Classification: Uncertain significance for Hereditary cancer-predisposing syndrome. Last evaluated: 2025-10-03. Review status: criteria provided, single submitter. Criteria: Ambry Variant Classification Scheme 2023. Collection method: clinical testing. Allele origin: germline.
Comment: The p.V810M variant (also known as c.2428G>A), located in coding exon 15 of the SMARCA4 gene, results from a G to A substitution at nucleotide position 2428. The valine at codon 810 is replaced by methionine, an amino acid with highly similar properties. This amino acid position is highly conserved in available vertebrate species. In addition, this alteration is predicted to be deleterious by in silico analysis. Based on the available evidence, the clinical significance of this variant remains unclear.

Labcorp Genetics (formerly Invitae), Labcorp
Classification: Uncertain significance for Rhabdoid tumor predisposition syndrome 2. Last evaluated: 2024-08-05. Review status: criteria provided, single submitter. Criteria: Invitae Variant Classification Sherloc (09022015). Collection method: clinical testing. Allele origin: germline.
Comment: This sequence change replaces valine, which is neutral and non-polar, with methionine, which is neutral and non-polar, at codon 810 of the SMARCA4 protein (p.Val810Met). This variant is not present in population databases (gnomAD no frequency). This variant has not been reported in the literature in individuals affected with SMARCA4-related conditions. ClinVar contains an entry for this variant (Variation ID: 408596). Advanced modeling of protein sequence and biophysical properties (such as structural, functional, and spatial information, amino acid conservation, physicochemical variation, residue mobility, and thermodynamic stability) performed at Invitae indicates that this missense variant is expected to disrupt SMARCA4 protein function with a positive predictive value of 95%. In summary, the available evidence is currently insufficient to determine the role of this variant in disease. Therefore, it has been classified as a Variant of Uncertain Significance.